The following is an entry in ClinVar:

NM_201596.3(CACNB2):c.424T>C (p.Phe142Leu)

Gene: CACNB2 (calcium voltage-gated channel auxiliary subunit beta 2; plus strand). Cytogenetic location: 10p12.31.
Variant type: single nucleotide variant.
Coding change: c.424T>C on transcript NM_201596.3 (MANE Select); coding-DNA position 424, T replaced by C.
Protein change: p.Phe142Leu; replaces phenylalanine 142 with leucine.
Molecular consequence: missense variant.
Genome position (GRCh38, 1-based): chr10:18,498,445, T>C. VCF-style: chr10-18498445-T-C. GRCh37 (hg19) VCF-style: chr10-18787374-T-C.
Other names: c.259T>C, p.Phe87Leu (NM_000724.4, NM_001330060.2); c.340T>C, p.Phe114Leu (NM_001167945.2, NM_201571.4, NM_201572.4); c.280T>C, p.Phe94Leu (NM_201570.3); c.262T>C, p.Phe88Leu (NM_201590.3); c.424T>C, p.Phe142Leu (NM_201593.3, NM_201597.3); short protein forms F142L, F88L, F87L, F94L, F114L.
Identifiers: ClinVar variation 583181 (VCV000583181.10), dbSNP rs747658821, ClinGen allele CA203213962.

ClinVar aggregate classification (germline): Uncertain significance. Review status: criteria provided, multiple submitters, no conflicts (2 of 4 stars). 2 submissions from 2 submitters: Uncertain significance (2). Last evaluated 2022-09-26.

Conditions:
Cardiovascular phenotype. Identifiers: MedGen CN230736.
Brugada syndrome 4 (BRGDA4). Identifiers: Orphanet 130, MedGen C2678477, MONDO:0012743, OMIM 611876.

Allele frequency attached by ClinVar (database versions not stated): TOPMed below 0.00001; gnomAD 0.00001.
gnomAD v4.1: 11 of 1,614,028 alleles (0.00068%); highest among the groups gnomAD compares: Non-Finnish European, 0.00093%; no homozygotes.

Submissions (2):

Ambry Genetics
Classification: Uncertain significance for Cardiovascular phenotype. Last evaluated: 2022-09-26. Review status: criteria provided, single submitter. Criteria: Ambry Variant Classification Scheme 2023. Collection method: clinical testing. Allele origin: germline.
Comment: The p.F88L variant (also known as c.262T>C), located in coding exon 3 of the CACNB2 gene, results from a T to C substitution at nucleotide position 262. The phenylalanine at codon 88 is replaced by leucine, an amino acid with highly similar properties. This amino acid position is conserved. In addition, this alteration is predicted to be deleterious by in silico analysis. Since supporting evidence is limited at this time, the clinical significance of this alteration remains unclear.

Labcorp Genetics (formerly Invitae), Labcorp
Classification: Uncertain significance for Brugada syndrome 4. Last evaluated: 2018-04-08. Review status: criteria provided, single submitter. Criteria: Invitae Variant Classification Sherloc (09022015). Collection method: clinical testing. Allele origin: germline.
Comment: Algorithms developed to predict the effect of missense changes on protein structure and function do not agree on the potential impact of this missense change (SIFT: "Deleterious"; PolyPhen-2: "Probably Damaging"; Align-GVGD: "Class C0"). In summary, the available evidence is currently insufficient to determine the role of this variant in disease. Therefore, it has been classified as a Variant of Uncertain Significance. This variant has not been reported in the literature in individuals with CACNB2-related disease. This variant is not present in population databases (ExAC no frequency). This sequence change replaces phenylalanine with leucine at codon 88 of the CACNB2 protein (p.Phe88Leu). The phenylalanine residue is highly conserved and there is a small physicochemical difference between phenylalanine and leucine.